The following is an entry in ClinVar:

ClinVar aggregate classification (germline): Pathogenic (1 of 4 stars; one submission).

Conditions:
Hydrolethalus syndrome 1 (HLS1). Identifiers: Orphanet 2189, MedGen C1856016, MONDO:0009365, OMIM 236680.

Submission:

Myriad Genetics, Inc.
Classification: Pathogenic for Hydrolethalus syndrome 1. Last evaluated: 2026-01-06. Review status: criteria provided, single submitter. Criteria: Myriad Autosomal Dominant, Autosomal Recessive and X-Linked Classification Criteria (2023). Collection method: clinical testing. Allele origin: unknown.
Comment: NM_145014.2(HYLS1):c.353dupC(E119Rfs*7) is a frameshift variant classified as pathogenic in the context of hydrolethalus syndrome. E119Rfs*7 has not been observed in cases with relevant disease. Relevant functional assessments of this variant are not available in the literature. E119Rfs*7 has not been observed in referenced population frequency databases. In summary, NM_145014.2(HYLS1):c.353dupC(E119Rfs*7) is a frameshift variant in a gene where loss of function is a known mechanism of disease and is predicted to disrupt protein function. Please note: this variant was assessed in the context of healthy population screening.

NM_001134793.2(HYLS1):c.353dup (p.Glu119fs)

Genes: HYLS1 (HYLS1 centriolar and ciliogenesis associated; plus strand), PUS3 (pseudouridine synthase 3; minus strand). Cytogenetic location: 11q24.2.
Variant type: Duplication.
Coding change: c.353dup on transcript NM_001134793.2 (MANE Select); coding-DNA position 353, one base duplicated (C; older notation c.353dupC).
Protein change: p.Glu119fs; shifts the reading frame from glutamic acid 119.
Molecular consequence: frameshift variant. On other transcripts: intron variant (7).
Genome position (GRCh38, 1-based): chr11:125,899,721, C duplicated. VCF-style (leftmost placement, unchanged base first): chr11-125899720-T-TC. GRCh37 (hg19) VCF-style: chr11-125769615-T-TC.
Other names: c.353dup, p.Glu119fs (NM_001377269.1, NM_001377270.1, NM_001424364.1 and 1 more transcripts); c.-247+3449dup (NM_001271985.2); c.-46-3391dup (NM_001441241.1, NM_001441239.1, NM_031307.4); c.-247+958dup (NM_001441238.1); c.-47+958dup (NM_001441240.1, NM_001441237.1); short protein forms E119fs.
Identifiers: ClinVar variation 5004371 (VCV005004371.1).